The following is an entry in ClinVar:

NM_001440.4(EXTL3):c.1178A>G (p.Gln393Arg)

Gene: EXTL3 (exostosin like glycosyltransferase 3; plus strand). Cytogenetic location: 8p21.1.
Variant type: single nucleotide variant.
Coding change: c.1178A>G on transcript NM_001440.4 (MANE Select); coding-DNA position 1178, A replaced by G.
Protein change: p.Gln393Arg; replaces glutamine 393 with arginine.
Molecular consequence: missense variant.
Genome position (GRCh38, 1-based): chr8:28,717,237, A>G. VCF-style: chr8-28717237-A-G. GRCh37 (hg19) VCF-style: chr8-28574754-A-G.
Other names: c.1178A>G (NM_001440.2); short protein forms Q393R.
Identifiers: ClinVar variation 1375802 (VCV001375802.9), dbSNP rs141972611, ClinGen allele CA4696159.

ClinVar aggregate classification (germline): Uncertain significance. Review status: criteria provided, multiple submitters, no conflicts (2 of 4 stars). 2 submissions from 2 submitters: Uncertain significance (2). Last evaluated 2025-11-17.

Conditions:
Inborn genetic diseases. Identifiers: MedGen C0950123, MeSH D030342.

Allele frequency attached by ClinVar (database versions not stated): gnomAD exomes 0.00001 and 0.00002; ExAC 0.00002; gnomAD 0.00002; TOPMed 0.00003; ESP Exome Variant Server 0.00015.

Submissions (2):

Ambry Genetics
Classification: Uncertain significance for Inborn genetic diseases. Last evaluated: 2025-11-17. Review status: criteria provided, single submitter. Criteria: Ambry Variant Classification Scheme 2023. Collection method: clinical testing. Allele origin: germline.

Labcorp Genetics (formerly Invitae), Labcorp
Classification: Uncertain significance. Last evaluated: 2024-10-07. Review status: criteria provided, single submitter. Criteria: Invitae Variant Classification Sherloc (09022015). Collection method: clinical testing. Allele origin: germline.
Comment: This sequence change replaces glutamine, which is neutral and polar, with arginine, which is basic and polar, at codon 393 of the EXTL3 protein (p.Gln393Arg). This variant is present in population databases (rs141972611, gnomAD 0.004%). This variant has not been reported in the literature in individuals affected with EXTL3-related conditions. ClinVar contains an entry for this variant (Variation ID: 1375802). Invitae Evidence Modeling of protein sequence and biophysical properties (such as structural, functional, and spatial information, amino acid conservation, physicochemical variation, residue mobility, and thermodynamic stability) indicates that this missense variant is not expected to disrupt EXTL3 protein function with a negative predictive value of 80%. In summary, the available evidence is currently insufficient to determine the role of this variant in disease. Therefore, it has been classified as a Variant of Uncertain Significance.